The following is an entry in ClinVar:

NM_000815.5(GABRD):c.869_871del (p.Met290del)

Gene: GABRD (gamma-aminobutyric acid type A receptor subunit delta; plus strand). Cytogenetic location: 1p36.33.
Variant type: Deletion.
Coding change: c.869_871del on transcript NM_000815.5 (MANE Select); coding-DNA positions 869 to 871, 3 bases deleted (TGA; older notation c.869_871delTGA).
Protein change: p.Met290del; deletes methionine 290.
Molecular consequence: inframe deletion.
Genome position (GRCh38, 1-based): chr1:2,029,572-2,029,574, TGA deleted; deleting any 3 consecutive bases within chr1:2,029,570-2,029,574 gives the same sequence; the c. name uses the placement nearest the transcript's 3' end. VCF-style (leftmost placement, unchanged base first): chr1-2029569-CGAT-C. GRCh37 (hg19) VCF-style: chr1-1961008-CGAT-C.
Other names: short protein forms M290del.
Identifiers: ClinVar variation 2920028 (VCV002920028.3), dbSNP rs760757497, ClinGen allele CA534831.

ClinVar aggregate classification (germline): Uncertain significance (1 of 4 stars; one submission).

Conditions:
Idiopathic generalized epilepsy. Also called: Generalised epilepsy; EIG. Identifiers: MedGen C0270850, MONDO:0005579, OMIM 600669.

Submission:

Labcorp Genetics (formerly Invitae), Labcorp
Classification: Uncertain significance for Idiopathic generalized epilepsy. Last evaluated: 2023-01-30. Review status: criteria provided, single submitter. Criteria: Invitae Variant Classification Sherloc (09022015). Collection method: clinical testing. Allele origin: germline.
Comment: This variant has not been reported in the literature in individuals affected with GABRD-related conditions. This variant, c.869_871del, results in the deletion of 1 amino acid(s) of the GABRD protein (p.Met290del), but otherwise preserves the integrity of the reading frame. This variant is present in population databases (rs760757497, gnomAD 0.002%). Experimental studies and prediction algorithms are not available or were not evaluated, and the functional significance of this variant is currently unknown. In summary, the available evidence is currently insufficient to determine the role of this variant in disease. Therefore, it has been classified as a Variant of Uncertain Significance.